The following is an entry in ClinVar:

ClinVar aggregate classification (germline): Uncertain significance. Review status: criteria provided, multiple submitters, no conflicts (2 of 4 stars). 2 submissions from 2 submitters: Uncertain significance (2). Last evaluated 2022-06-22.

Conditions:
Cardiovascular phenotype. Identifiers: MedGen CN230736.
Alstrom syndrome (ALMS). Identifiers: Orphanet 64, MedGen C0268425, MONDO:0008763, OMIM 203800.

Allele frequency attached by ClinVar (database versions not stated): gnomAD exomes below 0.00001; ExAC 0.00001; gnomAD 0.00001; TOPMed 0.00001.
gnomAD v4.1: 3 of 1,613,706 alleles (0.00019%); highest among the groups gnomAD compares: African/African-American, 0.0027%; no homozygotes.

Submissions (2):

Ambry Genetics
Classification: Uncertain significance for Cardiovascular phenotype. Last evaluated: 2022-06-22. Review status: criteria provided, single submitter. Criteria: Ambry Variant Classification Scheme 2023. Collection method: clinical testing. Allele origin: germline.
Comment: The p.I1674V variant (also known as c.5020A>G), located in coding exon 8 of the ALMS1 gene, results from an A to G substitution at nucleotide position 5020. The isoleucine at codon 1674 is replaced by valine, an amino acid with highly similar properties. This amino acid position is not well conserved in available vertebrate species. In addition, this alteration is predicted to be tolerated by in silico analysis. Since supporting evidence is limited at this time, the clinical significance of this alteration remains unclear.

Labcorp Genetics (formerly Invitae), Labcorp
Classification: Uncertain significance for Alstrom syndrome. Last evaluated: 2021-08-31. Review status: criteria provided, single submitter. Criteria: Invitae Variant Classification Sherloc (09022015). Collection method: clinical testing. Allele origin: germline.

NM_001378454.1(ALMS1):c.5017A>G (p.Ile1673Val)

Gene: ALMS1 (ALMS1 centrosome and basal body associated protein; plus strand). Cytogenetic location: 2p13.1.
Variant type: single nucleotide variant.
Coding change: c.5017A>G on transcript NM_001378454.1 (MANE Select); coding-DNA position 5017, A replaced by G.
Protein change: p.Ile1673Val; replaces isoleucine 1673 with valine.
Molecular consequence: missense variant.
Genome position (GRCh38, 1-based): chr2:73,451,544, A>G. VCF-style: chr2-73451544-A-G. GRCh37 (hg19) VCF-style: chr2-73678671-A-G.
Other names: c.5020A>G, p.Ile1674Val (NM_015120.4); short protein forms I1673V, I1674V.
Identifiers: ClinVar variation 937743 (VCV000937743.6), dbSNP rs773107767, ClinGen allele CA1713812.